The following is an entry in ClinVar:

ClinVar aggregate classification (germline): Uncertain significance. Review status: criteria provided, multiple submitters, no conflicts (2 of 4 stars). 2 submissions from 2 submitters: Uncertain significance (2). Last evaluated 2022-07-09.

Conditions:
Charcot-Marie-Tooth disease type 4. Also called: Charcot-Marie-Tooth disease, type IV; Charcot-Marie-Tooth, Type 4. Identifiers: Orphanet 64749, MedGen C4082197, MONDO:0018995.

Allele frequency attached by ClinVar (database versions not stated): gnomAD 0.00001 and 0.00002; gnomAD exomes 0.00001 and 0.00002; ExAC 0.00002; TOPMed 0.00002; ESP Exome Variant Server 0.00008.
gnomAD v4.1: 17 of 1,611,988 alleles (0.0011%); highest among the groups gnomAD compares: South Asian, 0.0033%; no homozygotes.

Submissions (2):

Labcorp Genetics (formerly Invitae), Labcorp
Classification: Uncertain significance for Charcot-Marie-Tooth disease type 4. Last evaluated: 2022-07-09. Review status: criteria provided, single submitter. Criteria: Invitae Variant Classification Sherloc (09022015). Collection method: clinical testing. Allele origin: germline.
Comment: This sequence change replaces proline, which is neutral and non-polar, with leucine, which is neutral and non-polar, at codon 866 of the SBF2 protein (p.Pro866Leu). This variant is present in population databases (rs143887793, gnomAD 0.006%). This variant has not been reported in the literature in individuals affected with SBF2-related conditions. ClinVar contains an entry for this variant (Variation ID: 246294). Algorithms developed to predict the effect of missense changes on protein structure and function are either unavailable or do not agree on the potential impact of this missense change (SIFT: "Deleterious"; PolyPhen-2: "Possibly Damaging"; Align-GVGD: "Class C0"). In summary, the available evidence is currently insufficient to determine the role of this variant in disease. Therefore, it has been classified as a Variant of Uncertain Significance.

GeneDx
Classification: Uncertain significance. Last evaluated: 2016-01-08. Review status: criteria provided, single submitter. Criteria: GeneDx Variant Classification (06012015). Collection method: clinical testing. Allele origin: germline. Affected: yes.
Comment: The P866L variant has not been published as a pathogenic variant, nor has it been reported as a benign variant to our knowledge. It was not observed with any significant frequency in approximately 6,500 individuals of European and African American ancestry in the NHLBI Exome Sequencing Project. The P866L variant is a semi-conservative amino acid substitution, which may impact secondary protein structure as these residues differ in some properties. In silico analysis predicts this variant is probably damaging to the protein structure/function. This substitution occurs at a position that is conserved across species; however, Leucine is observed at this position in evolution. Based on the currently available information, it is unclear whether this variant is a pathogenic variant or a rare benign variant.

NM_030962.4(SBF2):c.2597C>T (p.Pro866Leu)

Genes: SBF2 (SET binding factor 2; minus strand), LOC101928008 (uncharacterized LOC101928008; plus strand). Cytogenetic location: 11p15.4.
Variant type: single nucleotide variant.
Coding change: c.2597C>T on transcript NM_030962.4 (MANE Select); coding-DNA position 2597, C replaced by T.
Protein change: p.Pro866Leu; replaces proline 866 with leucine.
Molecular consequence: missense variant.
Genome position (GRCh38, 1-based): chr11:9,852,689, G>A on the plus strand (C>T on the coding strand, the complement: SBF2 is on the minus strand). VCF-style: chr11-9852689-G-A. GRCh37 (hg19) VCF-style: chr11-9874236-G-A.
Other names: c.2597C>T, p.Pro866Leu (NM_001386339.1); c.2468C>T, p.Pro823Leu (NM_001386342.1); short protein forms P866L, P823L.
Identifiers: ClinVar variation 246294 (VCV000246294.8), dbSNP rs143887793, ClinGen allele CA5881523.
Genomic context (GRCh38, chr11:9,852,689, plus strand): 5'-TTTTAAGAAGAGAGGCTATACCCTGAAAGCATGTAGTCTGGAATTACCTTCTGAATAGGC[G>A]GAAGTCTTCTGCTTTCTCGATGTACTGCTTCTAGGGTCTCAATGTGCATAGCTACAATTC-3'
Protein context (NP_112224.1, residues 856-876): EAVHRESRRL[Pro866Leu]PIQKPKILRP